The following is an entry in ClinVar:

NM_001199397.3(NEK1):c.1249G>A (p.Gly417Arg)

Gene: NEK1 (NIMA related kinase 1; minus strand). Cytogenetic location: 4q33.
Variant type: single nucleotide variant.
Coding change: c.1249G>A on transcript NM_001199397.3 (MANE Select); coding-DNA position 1249, G replaced by A.
Protein change: p.Gly417Arg; replaces glycine 417 with arginine.
Molecular consequence: missense variant. On other transcripts: non-coding transcript variant (2), intron variant (2).
Genome position (GRCh38, 1-based): chr4:169,561,497, C>T on the plus strand (G>A on the coding strand, the complement: NEK1 is on the minus strand). VCF-style: chr4-169561497-C-T. GRCh37 (hg19) VCF-style: chr4-170482648-C-T.
Other names: c.1140+335G>A (NM_001374421.1); c.1191+190G>A (NM_001199399.3); c.1249G>A, p.Gly417Arg (NM_001199398.3, NM_001199400.3, NM_001374418.1 and 4 more transcripts); c.1198G>A, p.Gly400Arg (NM_001374420.1); short protein forms G417R, G400R.
Identifiers: ClinVar variation 1975382 (VCV001975382.5), dbSNP rs1451915235, ClinGen allele CA358734253.

ClinVar aggregate classification (germline): Uncertain significance (1 of 4 stars; one submission).

Conditions:
Short-rib thoracic dysplasia 6 with or without polydactyly (SRTD6). Also called: Majewski Syndrome; SHORT-RIB THORACIC DYSPLASIA 6 WITH POLYDACTYLY; SHORT-RIB THORACIC DYSPLASIA 6 WITHOUT POLYDACTYLY; SHORT RIB-POLYDACTYLY SYNDROME, TYPE IIA; POLYDACTYLY WITH NEONATAL CHONDRODYSTROPHY, TYPE II. Identifiers: MedGen C0024507, MONDO:0009894, OMIM 263520.

Allele frequency attached by ClinVar (database versions not stated): TOPMed below 0.00001; gnomAD 0.00001.
gnomAD v4.1: 1 of 1,613,420 alleles (0.000062%); highest among the groups gnomAD compares: Admixed American, 0.0017%; no homozygotes.

Submission:

Labcorp Genetics (formerly Invitae), Labcorp
Classification: Uncertain significance for Short-rib thoracic dysplasia 6 with or without polydactyly. Last evaluated: 2022-08-10. Review status: criteria provided, single submitter. Criteria: Invitae Variant Classification Sherloc (09022015). Collection method: clinical testing. Allele origin: germline.
Comment: This variant is not present in population databases (gnomAD no frequency). This sequence change replaces glycine, which is neutral and non-polar, with arginine, which is basic and polar, at codon 417 of the NEK1 protein (p.Gly417Arg). In summary, the available evidence is currently insufficient to determine the role of this variant in disease. Therefore, it has been classified as a Variant of Uncertain Significance. Advanced modeling of protein sequence and biophysical properties (such as structural, functional, and spatial information, amino acid conservation, physicochemical variation, residue mobility, and thermodynamic stability) performed at Invitae indicates that this missense variant is not expected to disrupt NEK1 protein function. This variant has not been reported in the literature in individuals affected with NEK1-related conditions.